The following is an entry in ClinVar:

NM_000038.6(APC):c.8517T>C (p.Leu2839=)

Gene: APC (APC regulator of Wnt signaling pathway; plus strand). Cytogenetic location: 5q22.2.
Variant type: single nucleotide variant.
Coding change: c.8517T>C on transcript NM_000038.6 (MANE Select); coding-DNA position 8517, T replaced by C.
Protein change: p.Leu2839=; no amino-acid change (leucine 2839 retained).
Molecular consequence: synonymous variant.
Genome position (GRCh38, 1-based): chr5:112,844,111, T>C. VCF-style: chr5-112844111-T-C. GRCh37 (hg19) VCF-style: chr5-112179808-T-C.
Other names: c.8517T>C, p.Leu2839= (NM_001127510.3, NM_001354895.2); c.8463T>C, p.Leu2821= (NM_001127511.3); c.8571T>C, p.Leu2857= (NM_001354896.2); c.8547T>C, p.Leu2849= (NM_001354897.2); c.8442T>C, p.Leu2814= (NM_001354898.2); c.8433T>C, p.Leu2811= (NM_001354899.2); c.8394T>C, p.Leu2798= (NM_001354900.2); c.8340T>C, p.Leu2780= (NM_001354901.2); and 6 more.
Identifiers: ClinVar variation 1552857 (VCV001552857.12), dbSNP rs1276286382, ClinGen allele CA446211490.

ClinVar aggregate classification (germline): Benign/Likely benign. Review status: criteria provided, multiple submitters, no conflicts (2 of 4 stars). 4 submissions from 4 submitters: Benign (1); Likely benign (3). Last evaluated 2024-08-10.

Conditions:
Familial adenomatous polyposis 1 (FAP1). Also called: POLYPOSIS, ADENOMATOUS INTESTINAL; FAMILIAL ADENOMATOUS POLYPOSIS 1, ATTENUATED. Identifiers: MedGen C2713442, MONDO:0021056, OMIM 175100. Disease mechanism: loss of function.
Hereditary cancer-predisposing syndrome. Also called: Neoplastic Syndromes, Hereditary; Hereditary Cancer Syndrome; Tumor predisposition; Hereditary neoplastic syndrome. Identifiers: Orphanet 140162, MedGen C0027672, MeSH D009386, MONDO:0015356.

Allele frequency attached by ClinVar (database versions not stated): gnomAD exomes below 0.00001.
gnomAD v4.1: 1 of 1,612,414 alleles (0.000062%); highest among the groups gnomAD compares: East Asian, 0.0022%; no homozygotes.

Submissions (4):

Ambry Genetics
Classification: Likely benign for Hereditary cancer-predisposing syndrome. Last evaluated: 2024-08-10. Review status: criteria provided, single submitter. Criteria: Ambry Variant Classification Scheme 2023. Collection method: clinical testing. Allele origin: germline.

Myriad Genetics, Inc.
Classification: Benign for Familial adenomatous polyposis 1. Last evaluated: 2024-04-16. Review status: criteria provided, single submitter. Criteria: Myriad Autosomal Dominant, Autosomal Recessive and X-Linked Classification Criteria (2023). Collection method: clinical testing. Allele origin: unknown.
Comment: This variant is considered benign. This variant is a silent/synonymous amino acid change and it is not expected to impact splicing.

Color Diagnostics, LLC DBA Color Health
Classification: Likely benign for Hereditary cancer-predisposing syndrome. Last evaluated: 2023-12-04. Review status: criteria provided, single submitter. Criteria: ACMG Guidelines, 2015. Collection method: clinical testing. Allele origin: germline.

Labcorp Genetics (formerly Invitae), Labcorp
Classification: Likely benign for Familial adenomatous polyposis 1. Last evaluated: 2021-04-22. Review status: criteria provided, single submitter. Criteria: Invitae Variant Classification Sherloc (09022015). Collection method: clinical testing. Allele origin: germline.